The following is an entry in ClinVar:

NM_000284.4(PDHA1):c.118-17A>G

Gene: PDHA1 (pyruvate dehydrogenase E1 subunit alpha 1; plus strand). Cytogenetic location: Xp22.12.
Variant type: single nucleotide variant.
Coding change: c.118-17A>G on transcript NM_000284.4 (MANE Select); 17 bases into the intron before coding-DNA position 118, A replaced by G.
Molecular consequence: intron variant.
Genome position (GRCh38, 1-based): chrX:19,349,920, A>G. VCF-style: chrX-19349920-A-G. GRCh37 (hg19) VCF-style: chrX-19368038-A-G.
Other names: c.232-17A>G (NM_001173454.2); c.118-17A>G (NM_001173455.2, NM_001173456.2).
Identifiers: ClinVar variation 510596 (VCV000510596.10), dbSNP rs749601456, ClinGen allele CA10362996.

ClinVar aggregate classification (germline): Benign/Likely benign. Review status: criteria provided, multiple submitters, no conflicts (2 of 4 stars). 4 submissions from 4 submitters: Benign (2); Likely benign (2). Last evaluated 2026-03-03.

Conditions:
Pyruvate dehydrogenase E1-alpha deficiency (PDHAD). Also called: ATAXIA, INTERMITTENT, WITH PYRUVATE DEHYDROGENASE DEFICIENCY; ATAXIA WITH LACTIC ACIDOSIS I; ATAXIA, INTERMITTENT, WITH ABNORMAL PYRUVATE METABOLISM; Ataxia, intermittent, with pyruvate dehydrogenase, or decarboxylase, deficiency. Identifiers: Orphanet 79243, MedGen C1839413, MONDO:0010717, OMIM 312170.

Allele frequency attached by ClinVar (database versions not stated): gnomAD exomes 0.00003 and 0.00006; ExAC 0.00005; gnomAD 0.00006 and 0.00009; TOPMed 0.00011.
gnomAD v4.1: 46 of 1,187,027 alleles (0.0039%); highest among the groups gnomAD compares: Middle Eastern, 0.046%; no homozygotes.

Submissions (4):

Women's Health and Genetics/Laboratory Corporation of America, LabCorp
Classification: Benign. Last evaluated: 2026-03-03. Review status: criteria provided, single submitter. Criteria: LabCorp Variant Classification Summary - May 2015. Collection method: clinical testing. Allele origin: germline.

Labcorp Genetics (formerly Invitae), Labcorp
Classification: Benign for Pyruvate dehydrogenase E1-alpha deficiency. Last evaluated: 2025-11-12. Review status: criteria provided, single submitter. Criteria: Invitae Variant Classification Sherloc (09022015). Collection method: clinical testing. Allele origin: germline.

Blueprint Genetics
Classification: Likely benign. Last evaluated: 2023-11-22. Review status: criteria provided, single submitter. Criteria: ACMG Guidelines, 2015. Collection method: clinical testing. Allele origin: germline.

GeneDx
Classification: Likely benign. Last evaluated: 2017-07-10. Review status: criteria provided, single submitter. Criteria: GeneDx Variant Classification (06012015). Collection method: clinical testing. Allele origin: germline. Affected: yes.
Comment: This variant is considered likely benign or benign based on one or more of the following criteria: it is a conservative change, it occurs at a poorly conserved position in the protein, it is predicted to be benign by multiple in silico algorithms, and/or has population frequency not consistent with disease.